The following is an entry in ClinVar:

NM_004187.5(KDM5C):c.2249G>A (p.Arg750Gln)

Gene: KDM5C (lysine demethylase 5C; minus strand). Cytogenetic location: Xp11.22.
Variant type: single nucleotide variant.
Coding change: c.2249G>A on transcript NM_004187.5 (MANE Select); coding-DNA position 2249, G replaced by A.
Protein change: p.Arg750Gln; replaces arginine 750 with glutamine.
Molecular consequence: missense variant. On other transcripts: non-coding transcript variant (3).
Genome position (GRCh38, 1-based): chrX:53,198,883, C>T on the plus strand (G>A on the coding strand, the complement: KDM5C is on the minus strand). VCF-style: chrX-53198883-C-T. GRCh37 (hg19) VCF-style: chrX-53228065-C-T.
Other names: c.2249G>A, p.Arg750Gln (NM_001353984.2, NM_001353978.3, NM_001353981.2); c.2048G>A, p.Arg683Gln (NM_001146702.2); c.2246G>A, p.Arg749Gln (NM_001282622.3, NM_001353979.2, NM_001353982.2); short protein forms R683Q, R749Q, R750Q.
Identifiers: ClinVar variation 4882298 (VCV004882298.2).

ClinVar aggregate classification (germline): Uncertain significance (1 of 4 stars; one submission).

Conditions:
Intellectual developmental disorder, X-linked, syndromic, Claes-Jensen type. Also called: Syndromic X-linked intellectual disability Claes-Jensen type; INTELLECTUAL DEVELOPMENTAL DISORDER, X-LINKED, SYNDROMIC 16; MENTAL RETARDATION, X-LINKED, SYNDROMIC 16. Identifiers: Orphanet 85279, MedGen C1845243, MONDO:0010355, OMIM 300534.

Submission:

Dasa
Classification: Uncertain significance for Intellectual developmental disorder, X-linked, syndromic, Claes-Jensen type. Last evaluated: 2025-09-21. Review status: criteria provided, single submitter. Criteria: DASA Assertion Criteria. Collection method: clinical testing. Allele origin: germline.
Comment: NM_004187.5(KDM5C):c.2249G>A (p.Arg750Gln) is a missense variant that results in the substitution of arginine with glutamine. The affected residue or protein region has prior evidence supporting clinical relevance. This variant is absent from population databases. Computational prediction algorithms are consistent with a deleterious effect. The currently available literature and clinical evidence are not sufficient to establish a definitive association between this variant and the reported condition. Therefore, this variant is classified as a variant of uncertain significance.